The following is an entry in ClinVar:

NM_006206.6(PDGFRA):c.92T>C (p.Leu31Pro)

Gene: PDGFRA (platelet derived growth factor receptor alpha; plus strand). Cytogenetic location: 4q12.
Variant type: single nucleotide variant.
Coding change: c.92T>C on transcript NM_006206.6 (MANE Select); coding-DNA position 92, T replaced by C.
Protein change: p.Leu31Pro; replaces leucine 31 with proline.
Molecular consequence: missense variant.
Genome position (GRCh38, 1-based): chr4:54,261,137, T>C. VCF-style: chr4-54261137-T-C. GRCh37 (hg19) VCF-style: chr4-55127304-T-C.
Other names: c.92T>C, p.Leu31Pro (NM_001347827.2, NM_001347829.2); c.167T>C, p.Leu56Pro (NM_001347828.2); c.131T>C, p.Leu44Pro (NM_001347830.2); short protein forms L44P, L31P, L56P.
Identifiers: ClinVar variation 1497907 (VCV001497907.8), dbSNP rs2110241819, ClinGen allele CA356888228.

ClinVar aggregate classification (germline): Uncertain significance (1 of 4 stars; one submission).

Conditions:
Gastrointestinal stromal tumor. Also called: Gastrointestinal stroma tumor; Gastrointestinal stromal tumor, somatic. Identifiers: Orphanet 44890, MedGen C0238198, MeSH D046152, MONDO:0011719, OMIM 606764, HP:0100723.

Submission:

Labcorp Genetics (formerly Invitae), Labcorp
Classification: Uncertain significance for Gastrointestinal stromal tumor. Last evaluated: 2023-05-22. Review status: criteria provided, single submitter. Criteria: Invitae Variant Classification Sherloc (09022015). Collection method: clinical testing. Allele origin: germline.
Comment: This sequence change replaces leucine, which is neutral and non-polar, with proline, which is neutral and non-polar, at codon 31 of the PDGFRA protein (p.Leu31Pro). This variant is not present in population databases (gnomAD no frequency). This variant has not been reported in the literature in individuals affected with PDGFRA-related conditions. ClinVar contains an entry for this variant (Variation ID: 1497907). In summary, the available evidence is currently insufficient to determine the role of this variant in disease. Therefore, it has been classified as a Variant of Uncertain Significance. Advanced modeling of protein sequence and biophysical properties (such as structural, functional, and spatial information, amino acid conservation, physicochemical variation, residue mobility, and thermodynamic stability) performed at Invitae indicates that this missense variant is not expected to disrupt PDGFRA protein function.